The following is an entry in ClinVar:

NM_138387.4(G6PC3):c.218+2T>C

Genes: G6PC3 (glucose-6-phosphatase catalytic subunit 3; plus strand), LOC130060959 (ATAC-STARR-seq lymphoblastoid active region 12250; plus strand). Cytogenetic location: 17q21.31.
Variant type: single nucleotide variant.
Coding change: c.218+2T>C on transcript NM_138387.4 (MANE Select); the canonical splice donor site of the intron after coding-DNA position 218, T replaced by C.
Molecular consequence: splice donor variant. On other transcripts: 5 prime UTR variant (1), intron variant (1).
Genome position (GRCh38, 1-based): chr17:44,071,185, T>C. VCF-style: chr17-44071185-T-C. GRCh37 (hg19) VCF-style: chr17-42148553-T-C.
Other names: c.-185T>C (NM_001384165.1); c.-311-443T>C (NM_001384168.1); c.-322+2T>C (NM_001384166.1); c.-312+2T>C (NM_001384167.1); c.218+2T>C (NM_001319945.2).
Identifiers: ClinVar variation 2767618 (VCV002767618.3), dbSNP rs747508165, ClinGen allele CA399746557.

ClinVar aggregate classification (germline): Pathogenic (1 of 4 stars; one submission).

Conditions:
Autosomal recessive severe congenital neutropenia due to G6PC3 deficiency. Also called: NEUTROPENIA, SEVERE CONGENITAL, 4, AUTOSOMAL RECESSIVE; G6PC3 Deficiency. Identifiers: Orphanet 331176, MedGen C2751630, MONDO:0012930, OMIM 612541.

Submission:

Labcorp Genetics (formerly Invitae), Labcorp
Classification: Pathogenic for Autosomal recessive severe congenital neutropenia due to G6PC3 deficiency. Last evaluated: 2023-10-11. Review status: criteria provided, single submitter. Criteria: Invitae Variant Classification Sherloc (09022015). Collection method: clinical testing. Allele origin: germline.
Comment: This sequence change affects a donor splice site in intron 1 of the G6PC3 gene. It is expected to disrupt RNA splicing. Variants that disrupt the donor or acceptor splice site typically lead to a loss of protein function (PMID: 16199547), and loss-of-function variants in G6PC3 are known to be pathogenic (PMID: 19118303, 25491320). This variant is not present in population databases (gnomAD no frequency). Disruption of this splice site has been observed in individuals with syndromic severe congenital neutropenia (PMID: 22050868, 27571123). Algorithms developed to predict the effect of sequence changes on RNA splicing suggest that this variant may disrupt the consensus splice site. For these reasons, this variant has been classified as Pathogenic.

Literature cited by the submitters: PubMed 16199547; PubMed 19118303; PubMed 25491320; PubMed 22050868; PubMed 27571123.